The following is an entry in ClinVar:

ClinVar aggregate classification (germline): Uncertain significance (1 of 4 stars; one submission).

Conditions:
Hereditary cancer-predisposing syndrome. Also called: Hereditary Cancer Syndrome; Hereditary neoplastic syndrome; Neoplastic Syndromes, Hereditary; Tumor predisposition. Identifiers: Orphanet 140162, MedGen C0027672, MeSH D009386, MONDO:0015356.

Allele frequency attached by ClinVar (database versions not stated): gnomAD exomes 0.00001.
gnomAD v4.1: 15 of 1,614,192 alleles (0.00093%); highest among the groups gnomAD compares: Non-Finnish European, 0.0012%; no homozygotes.

Submissions (2):

Ambry Genetics
Classification: Uncertain significance for Hereditary cancer-predisposing syndrome. Last evaluated: 2025-11-26. Review status: criteria provided, single submitter. Criteria: Ambry Variant Classification Scheme 2023. Collection method: clinical testing. Allele origin: germline.
Comment: The p.S136C variant (also known as c.407C>G), located in coding exon 3 of the EPCAM gene, results from a C to G substitution at nucleotide position 407. The serine at codon 136 is replaced by cysteine, an amino acid with dissimilar properties. This amino acid position is conserved. In addition, this alteration is predicted to be tolerated by in silico analysis. Since supporting evidence is limited at this time, the clinical significance of this alteration remains unclear.

Dr. Peter K. Rogan Lab, Western University
No classification provided (evidence only). Condition: Squamous cell carcinoma of the head and neck. Review status: no classification provided. Collection method: in vitro. Allele origin: not applicable. Functional consequence: retained intron. Not counted in ClinVar's aggregate classification.

NM_002354.3(EPCAM):c.407C>G (p.Ser136Cys)

Gene: EPCAM (epithelial cell adhesion molecule; plus strand). Cytogenetic location: 2p21.
Variant type: single nucleotide variant.
Coding change: c.407C>G on transcript NM_002354.3 (MANE Select); coding-DNA position 407, C replaced by G.
Protein change: p.Ser136Cys; replaces serine 136 with cysteine.
Molecular consequence: missense variant.
Genome position (GRCh38, 1-based): chr2:47,374,030, C>G. VCF-style: chr2-47374030-C-G. GRCh37 (hg19) VCF-style: chr2-47601169-C-G.
Other names: NC_000002.11:g.47601169C>G; short protein forms S136C.
Identifiers: ClinVar variation 3222110 (VCV003222110.3), dbSNP rs1270650694, ClinGen allele CA346723483.